The following is an entry in ClinVar:

ClinVar aggregate classification (germline): Uncertain significance (1 of 4 stars; one submission).

Conditions:
Hereditary cancer-predisposing syndrome. Also called: Neoplastic Syndromes, Hereditary; Tumor predisposition; Hereditary neoplastic syndrome; Hereditary Cancer Syndrome. Identifiers: Orphanet 140162, MedGen C0027672, MeSH D009386, MONDO:0015356.

Submission:

Ambry Genetics
Classification: Uncertain significance for Hereditary cancer-predisposing syndrome. Last evaluated: 2026-07-07. Review status: criteria provided, single submitter. Criteria: Ambry Variant Classification Scheme 2023. Collection method: clinical testing. Allele origin: germline.
Comment: The p.Q165H variant (also known as c.495G>T), located in coding exon 1 of the AXIN2 gene, results from a G to T substitution at nucleotide position 495. The glutamine at codon 165 is replaced by histidine, an amino acid with highly similar properties. This amino acid position is conserved. In addition, this alteration is predicted to be tolerated by in silico analysis. Based on the available evidence, the clinical significance of this variant remains unclear.

NM_004655.4(AXIN2):c.495G>T (p.Gln165His)

Gene: AXIN2 (axin 2; minus strand). Cytogenetic location: 17q24.1.
Variant type: single nucleotide variant.
Coding change: c.495G>T on transcript NM_004655.4 (MANE Select); coding-DNA position 495, G replaced by T.
Protein change: p.Gln165His; replaces glutamine 165 with histidine.
Molecular consequence: missense variant.
Genome position (GRCh38, 1-based): chr17:65,558,126, C>A on the plus strand (G>T on the coding strand, the complement: AXIN2 is on the minus strand). VCF-style: chr17-65558126-C-A. GRCh37 (hg19) VCF-style: chr17-63554244-C-A.
Other names: c.495G>T, p.Gln165His (NM_001363813.1); short protein forms Q165H.
Identifiers: ClinVar variation 5032610 (VCV005032610.1).